The following is an entry in ClinVar:

ClinVar aggregate classification (germline): Pathogenic (1 of 4 stars; one submission).

Conditions:
LAMA2-related muscular dystrophy (LAMA2-RD). Also called: Laminin alpha 2-related dystrophy. Identifiers: MedGen C5679788, MONDO:0100228.

Allele frequency attached by ClinVar (database versions not stated): ExAC 0.00001.

Submission:

Labcorp Genetics (formerly Invitae), Labcorp
Classification: Pathogenic for LAMA2-related muscular dystrophy. Last evaluated: 2023-06-13. Review status: criteria provided, single submitter. Criteria: Invitae Variant Classification Sherloc (09022015). Collection method: clinical testing. Allele origin: germline.
Comment: This sequence change replaces aspartic acid, which is acidic and polar, with asparagine, which is neutral and polar, at codon 267 of the LAMA2 protein (p.Asp267Asn). This variant is present in population databases (rs748356668, gnomAD 0.01%). This missense change has been observed in individual(s) with congenital muscular dystrophy (PMID: 27447704). In at least one individual the data is consistent with being in trans (on the opposite chromosome) from a pathogenic variant. It has also been observed to segregate with disease in related individuals. For these reasons, this variant has been classified as Pathogenic. Advanced modeling of protein sequence and biophysical properties (such as structural, functional, and spatial information, amino acid conservation, physicochemical variation, residue mobility, and thermodynamic stability) performed at Invitae indicates that this missense variant is not expected to disrupt LAMA2 protein function.

Literature cited by the submitters: PubMed 27447704.

NM_000426.4(LAMA2):c.799G>A (p.Asp267Asn)

Gene: LAMA2 (laminin subunit alpha 2; plus strand). Cytogenetic location: 6q22.33.
Variant type: single nucleotide variant.
Coding change: c.799G>A on transcript NM_000426.4 (MANE Select); coding-DNA position 799, G replaced by A.
Protein change: p.Asp267Asn; replaces aspartic acid 267 with asparagine.
Molecular consequence: missense variant.
Genome position (GRCh38, 1-based): chr6:129,144,060, G>A. VCF-style: chr6-129144060-G-A. GRCh37 (hg19) VCF-style: chr6-129465205-G-A.
Other names: c.799G>A, p.Asp267Asn (NM_001079823.2); short protein forms D267N.
Identifiers: ClinVar variation 2734943 (VCV002734943.3), dbSNP rs748356668, ClinGen allele CA3992425.